The following is an entry in ClinVar:

NM_000530.8(MPZ):c.675C>A (p.His225Gln)

Gene: MPZ (myelin protein zero; minus strand). Cytogenetic location: 1q23.3.
Variant type: single nucleotide variant.
Coding change: c.675C>A on transcript NM_000530.8 (MANE Select); coding-DNA position 675, C replaced by A.
Protein change: p.His225Gln; replaces histidine 225 with glutamine.
Molecular consequence: missense variant.
Genome position (GRCh38, 1-based): chr1:161,305,948, G>T on the plus strand (C>A on the coding strand, the complement: MPZ is on the minus strand). VCF-style: chr1-161305948-G-T. GRCh37 (hg19) VCF-style: chr1-161275738-G-T.
Other names: c.675C>A, p.His225Gln (NM_001315491.2); short protein forms H225Q.
Identifiers: ClinVar variation 1308149 (VCV001308149.2), dbSNP rs2102257271, ClinGen allele CA343344367.

ClinVar aggregate classification (germline): Uncertain significance (1 of 4 stars; one submission).

Submission:

GeneDx
Classification: Uncertain significance. Last evaluated: 2019-03-18. Review status: criteria provided, single submitter. Criteria: GeneDx Variant Classification Process June 2021. Collection method: clinical testing. Allele origin: germline. Affected: yes.
Comment: Not observed in large population cohorts (Lek et al., 2016); The majority of missense variants in this gene are considered pathogenic (Stenson et al., 2014); In silico analysis, which includes protein predictors and evolutionary conservation, supports a deleterious effect; Has not been previously published as pathogenic or benign to our knowledge